The following is an entry in ClinVar:

NM_000553.6(WRN):c.3440C>A (p.Ala1147Glu)

Gene: WRN (WRN RecQ like helicase; plus strand). Cytogenetic location: 8p12.
Variant type: single nucleotide variant.
Coding change: c.3440C>A on transcript NM_000553.6 (MANE Select); coding-DNA position 3440, C replaced by A.
Protein change: p.Ala1147Glu; replaces alanine 1147 with glutamic acid.
Molecular consequence: missense variant.
Genome position (GRCh38, 1-based): chr8:31,147,109, C>A. VCF-style: chr8-31147109-C-A. GRCh37 (hg19) VCF-style: chr8-31004625-C-A.
Other names: short protein forms A1147E.
Identifiers: ClinVar variation 1971172 (VCV001971172.5), dbSNP rs1802887070, ClinGen allele CA370925453.

ClinVar aggregate classification (germline): Uncertain significance (1 of 4 stars; one submission).

Conditions:
Werner syndrome (WRN). Identifiers: Orphanet 902, MedGen C0043119, MONDO:0010196, OMIM 277700.

Allele frequency attached by ClinVar (database versions not stated): TOPMed below 0.00001.

Submission:

Labcorp Genetics (formerly Invitae), Labcorp
Classification: Uncertain significance for Werner syndrome. Last evaluated: 2023-07-08. Review status: criteria provided, single submitter. Criteria: Invitae Variant Classification Sherloc (09022015). Collection method: clinical testing. Allele origin: germline.
Comment: This sequence change replaces alanine, which is neutral and non-polar, with glutamic acid, which is acidic and polar, at codon 1147 of the WRN protein (p.Ala1147Glu). This variant is not present in population databases (gnomAD no frequency). This variant has not been reported in the literature in individuals affected with WRN-related conditions. ClinVar contains an entry for this variant (Variation ID: 1971172). An algorithm developed to predict the effect of missense changes on protein structure and function (PolyPhen-2) suggests that this variant is likely to be tolerated. In summary, the available evidence is currently insufficient to determine the role of this variant in disease. Therefore, it has been classified as a Variant of Uncertain Significance.